The following is an entry in ClinVar:

ClinVar aggregate classification (germline): Uncertain significance (1 of 4 stars; one submission).

Submission:

Labcorp Genetics (formerly Invitae), Labcorp
Classification: Uncertain significance. Last evaluated: 2023-08-17. Review status: criteria provided, single submitter. Criteria: Invitae Variant Classification Sherloc (09022015). Collection method: clinical testing. Allele origin: germline.
Comment: An algorithm developed to predict the effect of missense changes on protein structure and function (PolyPhen-2) suggests that this variant is likely to be disruptive. ClinVar contains an entry for this variant (Variation ID: 1409320). This variant has not been reported in the literature in individuals affected with LONP1-related conditions. This variant is not present in population databases (gnomAD no frequency). This sequence change replaces histidine, which is basic and polar, with glutamine, which is neutral and polar, at codon 561 of the LONP1 protein (p.His561Gln). In summary, the available evidence is currently insufficient to determine the role of this variant in disease. Therefore, it has been classified as a Variant of Uncertain Significance.

NM_004793.4(LONP1):c.1683C>G (p.His561Gln)

Genes: LONP1 (lon peptidase 1, mitochondrial; minus strand), LOC130063269 (ATAC-STARR-seq lymphoblastoid active region 13814; plus strand). Cytogenetic location: 19p13.3.
Variant type: single nucleotide variant.
Coding change: c.1683C>G on transcript NM_004793.4 (MANE Select); coding-DNA position 1683, C replaced by G.
Protein change: p.His561Gln; replaces histidine 561 with glutamine.
Molecular consequence: missense variant. On other transcripts: non-coding transcript variant (1).
Genome position (GRCh38, 1-based): chr19:5,699,029, G>C on the plus strand (C>G on the coding strand, the complement: LONP1 is on the minus strand). VCF-style: chr19-5699029-G-C. GRCh37 (hg19) VCF-style: chr19-5699040-G-C.
Other names: c.1491C>G, p.His497Gln (NM_001276479.2); c.1095C>G, p.His365Gln (NM_001276480.1); short protein forms H497Q, H561Q, H365Q.
Identifiers: ClinVar variation 1409320 (VCV001409320.6), dbSNP rs565029365, ClinGen allele CA403530482.
Genomic context (GRCh38, chr19:5,699,029, plus strand): 5'-GAAGCCCGGCAGCACAGCTGAGGGGAGTGCGTGGGGAGAGCTGTCAGGCCAGGCCTACCT[G>C]TGGCCCTTGATCTCAGCCACGTCAGTCATGCCCCCGACGCTGAAGCGGAAGTACTCTCGG-3'
Protein context (NP_004784.2, residues 551-571): GMTDVAEIKG[His561Gln]RRTYVGAMPG